The following is an entry in ClinVar:

ClinVar aggregate classification (germline): Benign. Review status: criteria provided, single submitter (1 of 4 stars). 2 submissions from 2 submitters: Benign (1). 1 of the submissions does not count toward it. Last evaluated 2026-01-17.

Conditions:
RAI1-related disorder. Also called: RAI1-related condition.

Allele frequency attached by ClinVar (database versions not stated): ExAC 0.00006; gnomAD exomes 0.00009.
gnomAD v4.1: 26 of 1,613,516 alleles (0.0016%); highest among the groups gnomAD compares: Admixed American, 0.042%; 1 homozygote.

Submissions (2):

Labcorp Genetics (formerly Invitae), Labcorp
Classification: Benign. Last evaluated: 2026-01-17. Review status: criteria provided, single submitter. Criteria: Invitae Variant Classification Sherloc (09022015). Collection method: clinical testing. Allele origin: germline.

PreventionGenetics, part of Exact Sciences
Classification: Likely benign for RAI1-related condition. Last evaluated: 2021-09-22. Review status: no assertion criteria provided. Collection method: clinical testing. Allele origin: germline. Not counted in ClinVar's aggregate classification.
Comment: This variant is classified as likely benign based on ACMG/AMP sequence variant interpretation guidelines (Richards et al. 2015 PMID: 25741868, with internal and published modifications).

NM_030665.4(RAI1):c.1266C>T (p.Leu422=)

Gene: RAI1 (retinoic acid induced 1; plus strand). Cytogenetic location: 17p11.2.
Variant type: single nucleotide variant.
Coding change: c.1266C>T on transcript NM_030665.4 (MANE Select); coding-DNA position 1266, C replaced by T.
Protein change: p.Leu422=; no amino-acid change (leucine 422 retained).
Molecular consequence: synonymous variant.
Genome position (GRCh38, 1-based): chr17:17,794,214, C>T. VCF-style: chr17-17794214-C-T. GRCh37 (hg19) VCF-style: chr17-17697528-C-T.
Other names: c.1266C>T (NM_030665.3).
Identifiers: ClinVar variation 1574972 (VCV001574972.10), dbSNP rs777325097, ClinGen allele CA8418296.
Genomic context (GRCh38, chr17:17,794,214, plus strand): 5'-TGCCACCAGCTCTGTGGACACCCAGGCTGGCAACTGCAAGCCCCTTCAGAAGGACAAGCT[C>T]CCTGAGAACCTGCTGTCGGATCTCAGCCTGCAGAGCCTCACGGCGCTGACCTCACAGGTG-3'
Protein context (NP_109590.3, residues 412-432): GNCKPLQKDK[Leu422=]PENLLSDLSL